The following is an entry in ClinVar:

NM_000540.3(RYR1):c.9331C>A (p.Arg3111=)

Gene: RYR1 (ryanodine receptor 1; plus strand). Cytogenetic location: 19q13.2.
Variant type: single nucleotide variant.
Coding change: c.9331C>A on transcript NM_000540.3 (MANE Select); coding-DNA position 9331, C replaced by A.
Protein change: p.Arg3111=; no amino-acid change (arginine 3111 retained).
Molecular consequence: synonymous variant.
Genome position (GRCh38, 1-based): chr19:38,512,342, C>A. VCF-style: chr19-38512342-C-A. GRCh37 (hg19) VCF-style: chr19-39002982-C-A.
Other names: c.9331C>A, p.Arg3111= (NM_001042723.2).
Identifiers: ClinVar variation 1626053 (VCV001626053.9), dbSNP rs1970767603, ClinGen allele CA507354424.

ClinVar aggregate classification (germline): Likely benign. Review status: criteria provided, multiple submitters, no conflicts (2 of 4 stars). 2 submissions from 2 submitters: Likely benign (2). Last evaluated 2023-03-09.

Conditions:
Malignant hyperthermia, susceptibility to, 1 (MHS1). Also called: Malignant hyperthermia suceptibility 1; RYR1-Related Malignant Hyperthermia Susceptibility; Anesthesia related hyperthermia; Malignant hyperpyrexia; Fulminating hyperpyrexia; Pharmacogenic myopathy. Identifiers: Orphanet 423, MedGen C2930980, MONDO:0007783, OMIM 145600.
RYR1-related disorder. Also called: RYR1-related condition; RYR1-related disorders. Identifiers: MedGen CN239331.

Submissions (2):

All of Us Research Program, National Institutes of Health
Classification: Likely benign for Malignant hyperthermia, susceptibility to, 1. Last evaluated: 2023-03-09. Review status: criteria provided, single submitter. Criteria: ACMG Guidelines, 2015. Collection method: clinical testing. Allele origin: germline. Inheritance: Autosomal dominant inheritance. Observed: 1 variant allele, 1 heterozygote.
Comment: This study involves interpretation of variants in research participants for the purpose of population health screening. Participant phenotype was not available at the time of variant classification. Additional details can be found in publication PMID: 35346344, PMCID: PMC8962531

Labcorp Genetics (formerly Invitae), Labcorp
Classification: Likely benign for RYR1-related disorder. Last evaluated: 2021-01-01. Review status: criteria provided, single submitter. Criteria: Invitae Variant Classification Sherloc (09022015). Collection method: clinical testing. Allele origin: germline.